The following is an entry in ClinVar:

ClinVar aggregate classification (germline): Benign. Review status: criteria provided, multiple submitters, no conflicts (2 of 4 stars). 3 submissions from 3 submitters: Benign (3). Last evaluated 2019-11-18.

Submissions (3):

Women's Health and Genetics/Laboratory Corporation of America, LabCorp
Classification: Benign. Last evaluated: 2019-11-18. Review status: criteria provided, single submitter. Criteria: LabCorp Variant Classification Summary - May 2015. Collection method: clinical testing. Allele origin: germline.
Comment: Variant summary: ABCA1 c.5383-6_5383-3dupTTTT alters a conserved nucleotide located close to a canonical splice site and therefore could affect mRNA splicing, leading to a significantly altered protein sequence. 5/5 computational tools predict no significant impact on normal splicing. However, these predictions have yet to be confirmed by functional studies. The variant allele was found at a frequency of 0.12 in 72042 control chromosomes in the gnomAD database, including 217 homozygotes. The observed variant frequency is approximately 9910- fold the estimated maximal expected allele frequency for a pathogenic variant in ABCA1 causing Early Onset Coronary Artery Disease phenotype (1.3e-05), strongly suggesting that the variant is benign. To our knowledge, no occurrence of c.5383-6_5383-3dupTTTT in individuals affected with Early Onset Coronary Artery Disease and no experimental evidence demonstrating an impact on protein function have been reported. No clinical diagnostic laboratories have submitted clinical-significance assessments for this variant to ClinVar after 2014. Based on the evidence outlined above, the variant was classified as benign.

Mayo Clinic Laboratories, Mayo Clinic
Classification: Benign. Last evaluated: 2019-09-04. Review status: criteria provided, single submitter. Criteria: ACMG Guidelines, 2015. Collection method: clinical testing. Allele origin: germline. Observed: 22 variant alleles.

GeneDx
Classification: Benign. Last evaluated: 2019-08-16. Review status: criteria provided, single submitter. Criteria: GeneDx Variant Classification Process June 2021. Collection method: clinical testing. Allele origin: germline. Affected: yes.

NM_005502.4(ABCA1):c.5383-20_5383-17dup

Gene: ABCA1 (ATP binding cassette subfamily A member 1; minus strand). Cytogenetic location: 9q31.1.
Variant type: Duplication.
Coding change: c.5383-20_5383-17dup on transcript NM_005502.4 (MANE Select); 20 bases into the intron before coding-DNA position 5383 through 17 bases into the intron before coding-DNA position 5383, 4 bases duplicated (TTTT; older notation c.5383-20_5383-17dupTTTT).
Molecular consequence: intron variant.
Genome position (GRCh38, 1-based): chr9:104,794,513-104,794,516, AAAA duplicated on the plus strand (TTTT on the coding strand, the reverse complement: ABCA1 is on the minus strand); duplicating any 4 consecutive bases within chr9:104,794,513-104,794,530 gives the same sequence; the c. name uses the placement nearest the transcript's 3' end. VCF-style (leftmost placement, unchanged base first): chr9-104794512-T-TAAAA. GRCh37 (hg19) VCF-style: chr9-107556793-T-TAAAA.
Other names: p.?; c.5383-6_5383-3dup (NM_005502.4).
Identifiers: ClinVar variation 364388 (VCV000364388.9), dbSNP rs77663187, ClinGen allele CA5167849.